The following is an entry in ClinVar:

NM_003482.4(KMT2D):c.3755G>A (p.Arg1252Gln)

Genes: KMT2D (lysine methyltransferase 2D; minus strand), LOC126861520 (CDK7 strongly-dependent group 2 enhancer GRCh37_chr12:49442744-49443943; plus strand). Cytogenetic location: 12q13.12.
Variant type: single nucleotide variant.
Coding change: c.3755G>A on transcript NM_003482.4 (MANE Select); coding-DNA position 3755, G replaced by A.
Protein change: p.Arg1252Gln; replaces arginine 1252 with glutamine.
Molecular consequence: missense variant.
Genome position (GRCh38, 1-based): chr12:49,049,833, C>T on the plus strand (G>A on the coding strand, the complement: KMT2D is on the minus strand). VCF-style: chr12-49049833-C-T. GRCh37 (hg19) VCF-style: chr12-49443616-C-T.
Other names: short protein forms R1252Q.
Identifiers: ClinVar variation 3346798 (VCV003346798.2).

ClinVar aggregate classification (germline): Uncertain significance. Review status: criteria provided, single submitter (1 of 4 stars). 2 submissions from 2 submitters: Uncertain significance (1). 1 of the submissions does not count toward it. Last evaluated 2024-05-12.

Conditions:
Kabuki syndrome 1 (KABUK1). Also called: KMT2D-Related Kabuki Syndrome. Identifiers: Orphanet 2322, MedGen CN030661, MONDO:0007843, OMIM 147920.
Choanal atresia-athelia-hypothyroidism-delayed puberty-short stature syndrome (BCAHH). Also called: BRANCHIAL ARCH ABNORMALITIES, CHOANAL ATRESIA, ATHELIA, HEARING LOSS, AND HYPOTHYROIDISM SYNDROME. Identifiers: Orphanet 589856, MedGen C5680310, MONDO:0035651, OMIM 620186.
KMT2D-related disorder. Also called: KMT2D-Related Disorders.

gnomAD v4.1: 1 of 1,613,964 alleles (0.000062%); highest among the groups gnomAD compares: South Asian, 0.0011%; no homozygotes.

Submissions (2):

Fulgent Genetics
Classification: Uncertain significance for Kabuki syndrome 1; Choanal atresia-athelia-hypothyroidism-delayed puberty-short stature syndrome. Last evaluated: 2024-05-12. Review status: criteria provided, single submitter. Criteria: ACMG Guidelines, 2015. Collection method: clinical testing. Allele origin: germline.

PreventionGenetics, part of Exact Sciences
Classification: Uncertain significance for KMT2D-related condition. Last evaluated: 2024-08-06. Review status: no assertion criteria provided. Collection method: clinical testing. Allele origin: germline. Not counted in ClinVar's aggregate classification.
Comment: The KMT2D c.3755G>A variant is predicted to result in the amino acid substitution p.Arg1252Gln. To our knowledge, this variant has not been reported in the literature in individuals with KMT2D-related disorders, nor has it been reported in a large population database, indicating this variant is rare. At this time, the clinical significance of this variant is uncertain due to the absence of conclusive functional and genetic evidence.